The following is an entry in ClinVar:

ClinVar aggregate classification (germline): Uncertain significance. Review status: criteria provided, multiple submitters, no conflicts (2 of 4 stars). 7 submissions from 7 submitters: Uncertain significance (6). 1 of the submissions does not count toward it. Last evaluated 2025-10-01.

Conditions:
Arrhythmogenic right ventricular dysplasia 12. Also called: ARRHYTHMOGENIC RIGHT VENTRICULAR DYSPLASIA, FAMILIAL, 12. Identifiers: MedGen C1969081, MONDO:0012684, OMIM 611528.
Hypertrophic cardiomyopathy. Also called: HYPERTROPHIC MYOCARDIOPATHY. Identifiers: Orphanet 217569, MedGen C0007194, MeSH D002312, MONDO:0005045, HP:0001639.
Naxos disease (NXD). Also called: KERATOSIS PALMOPLANTARIS WITH ARRHYTHMOGENIC CARDIOMYOPATHY; MAL DE NAXOS; PALMOPLANTAR KERATODERMA WITH ARRHYTHMOGENIC RIGHT VENTRICULAR CARDIOMYOPATHY AND WOOLLY HAIR; WOOLLY HAIR, PALMOPLANTAR KERATODERMA, AND CARDIAC ABNORMALITIES; CARDIOMYOPATHY, ARRHYTHMOGENIC RIGHT VENTRICULAR, WITH SKIN, HAIR, AND NAIL ABNORMALITIES. Identifiers: Orphanet 34217, MedGen C1832600, MONDO:0011017, OMIM 601214.

Allele frequency attached by ClinVar (database versions not stated): gnomAD exomes below 0.00001; TOPMed below 0.00001; ExAC 0.00001.
gnomAD v4.1: 7 of 1,614,180 alleles (0.00043%); highest among the groups gnomAD compares: Non-Finnish European, 0.00059%; no homozygotes.

Submissions (7):

Labcorp Genetics (formerly Invitae), Labcorp
Classification: Uncertain significance for Arrhythmogenic right ventricular dysplasia 12; Naxos disease. Last evaluated: 2025-10-01. Review status: criteria provided, single submitter. Criteria: Invitae Variant Classification Sherloc (09022015). Collection method: clinical testing. Allele origin: germline.
Comment: This sequence change replaces aspartic acid, which is acidic and polar, with glycine, which is neutral and non-polar, at codon 659 of the JUP protein (p.Asp659Gly). This variant is not present in population databases (gnomAD no frequency). This variant has not been reported in the literature in individuals affected with JUP-related conditions. ClinVar contains an entry for this variant (Variation ID: 870079). An algorithm developed to predict the effect of missense changes on protein structure and function (PolyPhen-2) suggests that this variant is likely to be tolerated. In summary, the available evidence is currently insufficient to determine the role of this variant in disease. Therefore, it has been classified as a Variant of Uncertain Significance.

Department of Pathology and Laboratory Medicine, Sinai Health System
Classification: Uncertain significance for Naxos disease; Arrhythmogenic right ventricular dysplasia 12. Last evaluated: 2021-10-21. Review status: criteria provided, single submitter. Criteria: ACMG Guidelines, 2015. Collection method: research. Allele origin: germline.

Blueprint Genetics
Classification: Uncertain significance. Last evaluated: 2021-07-27. Review status: criteria provided, single submitter. Criteria: ACMG Guidelines, 2015. Collection method: clinical testing. Allele origin: germline.

Mayo Clinic Laboratories, Mayo Clinic
Classification: Uncertain significance. Last evaluated: 2020-04-14. Review status: criteria provided, single submitter. Criteria: ACMG Guidelines, 2015. Collection method: clinical testing. Allele origin: germline. Observed: 1 variant allele.

GeneDx
Classification: Uncertain significance. Last evaluated: 2018-12-20. Review status: criteria provided, single submitter. Criteria: GeneDx Variant Classification Process June 2021. Collection method: clinical testing. Allele origin: germline. Affected: yes.
Comment: Not observed in large population cohorts (Lek et al., 2016); In silico analysis, which includes protein predictors and evolutionary conservation, supports a deleterious effect; Has not been previously published as pathogenic or benign to our knowledge

Agnes Ginges Centre for Molecular Cardiology, Centenary Institute
Classification: Uncertain significance for Hypertrophic cardiomyopathy. Last evaluated: 2018-11-15. Review status: criteria provided, single submitter. Criteria: ACMG Guidelines, 2015. Collection method: research. Allele origin: germline. Inheritance: Autosomal dominant inheritance. Affected: yes.
Comment: This variant has been identified as part of our research program. Refer to the 'condition' field for the phenotype of the proband(s) identified with this variant. For further information please feel free to contact us.

Clinical Genetics Laboratory, University Hospital Schleswig-Holstein
Classification: Uncertain significance for Arrhythmogenic right ventricular dysplasia 12. Last evaluated: 2022-11-10. Review status: no assertion criteria provided. Collection method: clinical testing. Allele origin: germline. Affected: yes. Not counted in ClinVar's aggregate classification.

NM_002230.4(JUP):c.1976A>G (p.Asp659Gly)

Gene: JUP (junction plakoglobin; minus strand). Cytogenetic location: 17q21.2.
Variant type: single nucleotide variant.
Coding change: c.1976A>G on transcript NM_002230.4 (MANE Select); coding-DNA position 1976, A replaced by G.
Protein change: p.Asp659Gly; replaces aspartic acid 659 with glycine.
Molecular consequence: missense variant.
Genome position (GRCh38, 1-based): chr17:41,757,485, T>C on the plus strand (A>G on the coding strand, the complement: JUP is on the minus strand). VCF-style: chr17-41757485-T-C. GRCh37 (hg19) VCF-style: chr17-39913737-T-C.
Other names: c.1976A>G, p.Asp659Gly (NM_001352773.2, NM_001352774.2, NM_001352775.2 and 3 more transcripts); short protein forms D659G.
Identifiers: ClinVar variation 870079 (VCV000870079.19), dbSNP rs782124059, ClinGen allele CA8565058.
Genomic context (GRCh38, chr17:41,757,485, plus strand): 5'-GCAGCCGGGTCATGCTTGAAGAGGGAGTTGGTGAGCTCCACGGACACGCGCTTCCGGTAG[T>C]CTGGGTTCTTGTCCTCGGAGATGCGGAACAGGACGGCAGCAGCGTAGGTGGCTGAGCAGA-3'
Protein context (NP_002221.1, residues 649-669): LFRISEDKNP[Asp659Gly]YRKRVSVELT